The following is an entry in ClinVar:

NM_000521.4(HEXB):c.1509-24G>A

Gene: HEXB (hexosaminidase subunit beta; plus strand). Cytogenetic location: 5q13.3.
Variant type: single nucleotide variant.
Coding change: c.1509-24G>A on transcript NM_000521.4 (MANE Select); 24 bases into the intron before coding-DNA position 1509, G replaced by A.
Molecular consequence: intron variant.
Genome position (GRCh38, 1-based): chr5:74,720,619, G>A. VCF-style: chr5-74720619-G-A. GRCh37 (hg19) VCF-style: chr5-74016444-G-A.
Other names: p.?; c.834-24G>A (NM_001292004.2).
Identifiers: ClinVar variation 3042566 (VCV003042566.4), dbSNP rs144438832, ClinGen allele CA3306185.
Genomic context (GRCh38, chr5:74,720,619, plus strand): 5'-TTAGCTTTCCTTCTCTGTCTAAACACAAAAGTGCTAAACATAAATTTAAACTGCTTGCGG[G>A]GGGATGTGTGATTTAAATTTTAGGCCTCGGGCAAGTGCTGTTGGTGAGAGACTCTGGAGT-3'

ClinVar aggregate classification (germline): Benign/Likely benign. Review status: criteria provided, multiple submitters, no conflicts (2 of 4 stars). 3 submissions from 3 submitters: Benign (1); Likely benign (1). 1 of the submissions does not count toward it. Last evaluated 2024-09-04.

Conditions:
HEXB-related disorder. Also called: HEXB-related condition.

Allele frequency attached by ClinVar (database versions not stated): gnomAD exomes 0.00047; gnomAD 0.00058; TOPMed 0.00091; ExAC 0.00156; 1000 Genomes Project 30x 0.00375; 1000 Genomes Project 0.00399.
gnomAD v4.1: 767 of 1,605,896 alleles (0.048%); highest among the groups gnomAD compares: East Asian, 1.6%; 6 homozygotes.

Submissions (3):

Blueprint Genetics
Classification: Likely benign. Last evaluated: 2024-09-04. Review status: criteria provided, single submitter. Criteria: ACMG Guidelines, 2015. Collection method: clinical testing. Allele origin: germline.

Mayo Clinic Laboratories, Mayo Clinic
Classification: Benign. Last evaluated: 2023-01-31. Review status: criteria provided, single submitter. Criteria: ACMG Guidelines, 2015. Collection method: clinical testing. Allele origin: germline. Observed: 5 variant alleles.
Comment: BS1, BS2, BP4, BP7

PreventionGenetics, part of Exact Sciences
Classification: Benign for HEXB-related condition. Last evaluated: 2023-12-14. Review status: no assertion criteria provided. Collection method: clinical testing. Allele origin: germline. Not counted in ClinVar's aggregate classification.
Comment: This variant is classified as benign based on ACMG/AMP sequence variant interpretation guidelines (Richards et al. 2015 PMID: 25741868, with internal and published modifications).